The following is an entry in ClinVar:

ClinVar aggregate classification (germline): Likely pathogenic (1 of 4 stars; one submission).

Conditions:
Autosomal recessive limb-girdle muscular dystrophy type 2J (LGMDR10). Also called: Limb-girdle muscular dystrophy, type 2J; MUSCULAR DYSTROPHY, LIMB-GIRDLE, AUTOSOMAL RECESSIVE 10. Identifiers: Orphanet 140922, MedGen C1837342, MONDO:0012127, OMIM 608807.
Dilated cardiomyopathy 1G (CMD1G). Identifiers: Orphanet 154, MedGen C1858763, MONDO:0011400, OMIM 604145.

Submission:

Labcorp Genetics (formerly Invitae), Labcorp
Classification: Likely pathogenic for Dilated cardiomyopathy 1G; Autosomal recessive limb-girdle muscular dystrophy type 2J. Last evaluated: 2024-10-18. Review status: criteria provided, single submitter. Criteria: Invitae Variant Classification Sherloc (09022015). Collection method: clinical testing. Allele origin: germline.
Comment: This sequence change creates a premature translational stop signal (p.Gln3098*) in the TTN gene. While this is not anticipated to result in nonsense mediated decay, it is expected to create a truncated TTN protein. Information on the frequency of this variant in the gnomAD database is not available, as this variant may be reported differently in the database. This variant has not been reported in the literature in individuals affected with TTN-related conditions. ClinVar contains an entry for this variant (Variation ID: 663171). This variant is located in the I band of TTN (PMID: 25589632). Truncating variants in this region have been reported in individuals affected with autosomal recessive centronuclear myopathy (PMID: 23975875, internal data). Truncating variants in this region have also been identified in individuals affected with autosomal dominant dilated cardiomyopathy and/or cardio-related conditions (PMID: 27869827, 32964742, internal data). In summary, the currently available evidence indicates that the variant is pathogenic, but additional data are needed to prove that conclusively. Therefore, this variant has been classified as Likely Pathogenic.

Literature cited by the submitters: PubMed 25589632; PubMed 23975875; PubMed 27869827; PubMed 32964742.

NM_001267550.2(TTN):c.9291_9292delinsTT (p.Gln3098Ter)

Gene: TTN (titin; minus strand). Cytogenetic location: 2q31.2.
Variant type: Indel.
Coding change: c.9291_9292delinsTT on transcript NM_001267550.2 (MANE Select); coding-DNA positions 9291 to 9292, GC replaced by TT.
Protein change: p.Gln3098Ter; replaces glutamine 3098 with a stop codon.
Molecular consequence: nonsense.
Genome position (GRCh38, 1-based): chr2:178,768,027-178,768,028, GC replaced by AA on the plus strand (GC replaced by TT on the coding strand, the reverse complement: TTN is on the minus strand). VCF-style: chr2-178768027-GC-AA. GRCh37 (hg19) VCF-style: chr2-179632754-GC-AA.
Other names: c.9291_9292delinsTT, p.Gln3098Ter (NM_001256850.1, NM_133378.4, NM_133379.5); c.9153_9154delinsTT, p.Gln3052Ter (NM_003319.4, NM_133432.3, NM_133437.4); short protein forms Q3098*, Q3052*.
Identifiers: ClinVar variation 663171 (VCV000663171.9), dbSNP rs1574528825, ClinGen allele CA915942217.